The following is an entry in ClinVar:

NM_032603.5(LOXL3):c.1082G>A (p.Arg361His)

Gene: LOXL3 (lysyl oxidase like 3; minus strand). Cytogenetic location: 2p13.1.
Variant type: single nucleotide variant.
Coding change: c.1082G>A on transcript NM_032603.5 (MANE Select); coding-DNA position 1082, G replaced by A.
Protein change: p.Arg361His; replaces arginine 361 with histidine.
Molecular consequence: missense variant. On other transcripts: 5 prime UTR variant (1).
Genome position (GRCh38, 1-based): chr2:74,536,302, C>T on the plus strand (G>A on the coding strand, the complement: LOXL3 is on the minus strand). VCF-style: chr2-74536302-C-T. GRCh37 (hg19) VCF-style: chr2-74763429-C-T.
Other names: c.-2G>A (NM_001289165.1, NM_001289165.2); c.647G>A, p.Arg216His (NM_001289164.3); short protein forms R361H, R216H.
Identifiers: ClinVar variation 4048072 (VCV004048072.2).

ClinVar aggregate classification (germline): Uncertain significance. Review status: criteria provided, multiple submitters, no conflicts (2 of 4 stars). 2 submissions from 2 submitters: Uncertain significance (2). Last evaluated 2025-08-07.

Conditions:
LOXL3-related disorder. Also called: LOXL3-related condition.

gnomAD v4.1: 11 of 1,613,482 alleles (0.00068%); highest among the groups gnomAD compares: East Asian, 0.0067%; no homozygotes.

Submissions (2):

PreventionGenetics, part of Exact Sciences
Classification: Uncertain significance for LOXL3-related condition. Last evaluated: 2025-08-07. Review status: criteria provided, single submitter. Criteria: ACMG Guidelines, 2015. Collection method: clinical testing. Allele origin: germline.
Comment: The LOXL3 c.-2G>A variant is located in the 5' untranslated region. To our knowledge, this variant has not been reported in the literature. This variant is reported in 0.016% of alleles in individuals of East Asian descent in gnomAD. At this time, the clinical significance of this variant is uncertain due to the absence of conclusive functional and genetic evidence.

Ambry Genetics
Classification: Uncertain significance. Last evaluated: 2025-03-26. Review status: criteria provided, single submitter. Criteria: Ambry Variant Classification Scheme 2023. Collection method: clinical testing. Allele origin: germline.